The following is an entry in ClinVar:

NM_016222.4(DDX41):c.1470C>T (p.Asp490=)

Gene: DDX41 (DEAD-box helicase 41; minus strand). Cytogenetic location: 5q35.3.
Variant type: single nucleotide variant.
Coding change: c.1470C>T on transcript NM_016222.4 (MANE Select); coding-DNA position 1470, C replaced by T.
Protein change: p.Asp490=; no amino-acid change (aspartic acid 490 retained).
Molecular consequence: synonymous variant.
Genome position (GRCh38, 1-based): chr5:177,512,575, G>A on the plus strand (C>T on the coding strand, the complement: DDX41 is on the minus strand). VCF-style: chr5-177512575-G-A. GRCh37 (hg19) VCF-style: chr5-176939576-G-A.
Other names: c.1470C>T (NM_016222.2); c.1092C>T, p.Asp364= (NM_001321732.2, NM_001321830.2).
Identifiers: ClinVar variation 1337229 (VCV001337229.12), dbSNP rs151018711, ClinGen allele CA3584734.

ClinVar aggregate classification (germline): Benign/Likely benign. Review status: criteria provided, multiple submitters, no conflicts (2 of 4 stars). 5 submissions from 5 submitters: Benign (1); Likely benign (3). 1 of the submissions does not count toward it. Last evaluated 2026-01-06.

Conditions:
Inborn genetic diseases. Identifiers: MedGen C0950123, MeSH D030342.
DDX41-related disorder. Also called: DDX41-related condition.

Allele frequency attached by ClinVar (database versions not stated): gnomAD exomes 0.00009 and 0.00019; ExAC 0.00026; 1000 Genomes Project 0.00080; 1000 Genomes Project 30x 0.00094; gnomAD 0.00096 and 0.00102; TOPMed 0.00100; ESP Exome Variant Server 0.00108.
gnomAD v4.1: 277 of 1,614,154 alleles (0.017%); highest among the groups gnomAD compares: African/African-American, 0.33%; 3 homozygotes.

Submissions (5):

Labcorp Genetics (formerly Invitae), Labcorp
Classification: Benign. Last evaluated: 2026-01-06. Review status: criteria provided, single submitter. Criteria: Invitae Variant Classification Sherloc (09022015). Collection method: clinical testing. Allele origin: germline.

Ambry Genetics
Classification: Likely benign for Inborn genetic diseases. Last evaluated: 2024-08-21. Review status: criteria provided, single submitter. Criteria: Ambry Variant Classification Scheme 2023. Collection method: clinical testing. Allele origin: germline.

Blueprint Genetics
Classification: Likely benign. Last evaluated: 2024-06-24. Review status: criteria provided, single submitter. Criteria: ACMG Guidelines, 2015. Collection method: clinical testing. Allele origin: germline.

Genetic Services Laboratory, University of Chicago
Classification: Likely benign. Last evaluated: 2021-08-24. Review status: criteria provided, single submitter. Criteria: ACMG Guidelines, 2015. Collection method: clinical testing. Allele origin: germline. Affected: no.

PreventionGenetics, part of Exact Sciences
Classification: Likely benign for DDX41-related condition. Last evaluated: 2019-06-04. Review status: no assertion criteria provided. Collection method: clinical testing. Allele origin: germline. Not counted in ClinVar's aggregate classification.
Comment: This variant is classified as likely benign based on ACMG/AMP sequence variant interpretation guidelines (Richards et al. 2015 PMID: 25741868, with internal and published modifications).